The following is an entry in ClinVar:

NM_003743.5(NCOA1):c.958C>T (p.Arg320Cys)

Gene: NCOA1 (nuclear receptor coactivator 1; plus strand). Cytogenetic location: 2p23.3.
Variant type: single nucleotide variant.
Coding change: c.958C>T on transcript NM_003743.5 (MANE Select); coding-DNA position 958, C replaced by T.
Protein change: p.Arg320Cys; replaces arginine 320 with cysteine.
Molecular consequence: missense variant.
Genome position (GRCh38, 1-based): chr2:24,705,094, C>T. VCF-style: chr2-24705094-C-T. GRCh37 (hg19) VCF-style: chr2-24927963-C-T.
Other names: c.958C>T, p.Arg320Cys (NM_001362950.1, NM_001362952.1, NM_001362954.1 and 3 more transcripts); short protein forms R320C.
Identifiers: ClinVar variation 3346234 (VCV003346234.1).

ClinVar aggregate classification (germline): Uncertain significance (0 of 4 stars; one submission).

Conditions:
NCOA1-related disorder. Also called: NCOA1-related condition.

gnomAD v4.1: 4 of 1,613,550 alleles (0.00025%); highest among the groups gnomAD compares: East Asian, 0.0022%; no homozygotes.

Submission:

PreventionGenetics, part of Exact Sciences
Classification: Uncertain significance for NCOA1-related condition. Last evaluated: 2024-06-28. Review status: no assertion criteria provided. Collection method: clinical testing. Allele origin: germline.
Comment: The NCOA1 c.958C>T variant is predicted to result in the amino acid substitution p.Arg320Cys. To our knowledge, this variant has not been reported in the literature. This variant is reported in 0.0054% of alleles in individuals of East Asian descent in gnomAD. At this time, the clinical significance of this variant is uncertain due to the absence of conclusive functional and genetic evidence.